The following is an entry in ClinVar:

NM_014236.4(GNPAT):c.915G>A (p.Glu305=)

Gene: GNPAT (glyceronephosphate O-acyltransferase; plus strand). Cytogenetic location: 1q42.2.
Variant type: single nucleotide variant.
Coding change: c.915G>A on transcript NM_014236.4 (MANE Select); coding-DNA position 915, G replaced by A.
Protein change: p.Glu305=; no amino-acid change (glutamic acid 305 retained).
Molecular consequence: synonymous variant.
Genome position (GRCh38, 1-based): chr1:231,266,156, G>A. VCF-style: chr1-231266156-G-A. GRCh37 (hg19) VCF-style: chr1-231401902-G-A.
Other names: c.732G>A, p.Glu244= (NM_001316350.2).
Identifiers: ClinVar variation 260363 (VCV000260363.34), dbSNP rs574553, ClinGen allele CA1451905.

ClinVar aggregate classification (germline): Benign. Review status: criteria provided, multiple submitters, no conflicts (2 of 4 stars). 9 submissions from 9 submitters: Benign (8). 1 of the submissions does not count toward it. Last evaluated 2026-02-04.

Conditions:
Rhizomelic chondrodysplasia punctata type 2 (RCDP2). Also called: DIHYDROXYACETONEPHOSPHATE ACYLTRANSFERASE DEFICIENCY; glyceronephosphate O-acyltransferase (GNPAT) deficiency; Glyceronephosphate O-acyltransferase deficiency; DHAPAT DEFICIENCY; PEROXISOMAL DIHYDROXYACETONEPHOSPHATE ACYLTRANSFERASE DEFICIENCY; Chondrodysplasia punctata, rhizomelic, due to dihydroxyacetonephosphate acyltransferase deficiency. Identifiers: Orphanet 177, Orphanet 309796, MedGen C1857242, MONDO:0100273, OMIM 222765. Disease mechanism: loss of function.

Allele frequency attached by ClinVar (database versions not stated): 1000 Genomes Project 30x 0.62961; gnomAD 0.58786 and 0.58909; ESP Exome Variant Server 0.59480; gnomAD exomes 0.56222 and 0.56983; ExAC 0.56762; TOPMed 0.60488; 1000 Genomes Project 0.62859.
gnomAD v4.1: 910,880 of 1,611,462 alleles (57%); highest among the groups gnomAD compares: African/African-American, 69%; 260,206 homozygotes.

Submissions (9):

Labcorp Genetics (formerly Invitae), Labcorp
Classification: Benign. Last evaluated: 2026-02-04. Review status: criteria provided, single submitter. Criteria: Invitae Variant Classification Sherloc (09022015). Collection method: clinical testing. Allele origin: germline.

ARUP Laboratories, Molecular Genetics and Genomics, ARUP Laboratories
Classification: Benign for Rhizomelic chondrodysplasia punctata type 2. Last evaluated: 2025-07-22. Review status: criteria provided, single submitter. Criteria: ARUP Molecular Germline Variant Investigation Process 2024. Collection method: clinical testing. Allele origin: germline.

Blueprint Genetics
Classification: Benign. Last evaluated: 2024-11-26. Review status: criteria provided, single submitter. Criteria: ACMG Guidelines, 2015. Collection method: clinical testing. Allele origin: germline.

Genome-Nilou Lab
Classification: Benign for Rhizomelic chondrodysplasia punctata type 2. Last evaluated: 2021-08-10. Review status: criteria provided, single submitter. Criteria: ACMG Guidelines, 2015. Collection method: clinical testing. Allele origin: germline. Affected: no.

Illumina Laboratory Services, Illumina
Classification: Benign for Rhizomelic chondrodysplasia punctata type 2. Last evaluated: 2018-01-12. Review status: criteria provided, single submitter. Criteria: ICSL Variant Classification Criteria 13 December 2019. Collection method: clinical testing. Allele origin: germline.
Comment: This variant was observed in the ICSL laboratory as part of a predisposition screen in an ostensibly healthy population. It had not been previously curated by ICSL or reported in the Human Gene Mutation Database (HGMD: prior to June 1st, 2018), and was therefore a candidate for classification through an automated scoring system. Utilizing variant allele frequency, disease prevalence and penetrance estimates, and inheritance mode, an automated score was calculated to assess if this variant is too frequent to cause the disease. Based on the score and internal cut-off values, a variant classified as benign is not then subjected to further curation. The score for this variant resulted in a classification of benign for this disease.

GeneDx
Classification: Benign. Last evaluated: 2016-03-03. Review status: criteria provided, single submitter. Criteria: GeneDx Variant Classification (06012015). Collection method: clinical testing. Allele origin: germline. Affected: yes.
Comment: This variant is considered likely benign or benign based on one or more of the following criteria: it is a conservative change, it occurs at a poorly conserved position in the protein, it is predicted to be benign by multiple in silico algorithms, and/or has population frequency not consistent with disease.

Breakthrough Genomics
Classification: Benign. Review status: criteria provided, single submitter. Criteria: ACMG Guidelines, 2015. Collection method: not provided. Allele origin: germline. Inheritance: Autosomal recessive inheritance. Affected: yes.

PreventionGenetics, part of Exact Sciences
Classification: Benign. Review status: criteria provided, single submitter. Criteria: ACMG Guidelines, 2015. Collection method: clinical testing. Allele origin: germline.

Mayo Clinic Laboratories, Mayo Clinic
Classification: Benign. Last evaluated: 2015-10-20. Review status: no assertion criteria provided. Collection method: clinical testing. Allele origin: unknown. Not counted in ClinVar's aggregate classification.